The following is an entry in ClinVar:

ClinVar aggregate classification (germline): Likely benign (1 of 4 stars; one submission).

Conditions:
TRPC5-related disorder. Also called: TRPC5-related condition.

gnomAD v4.1: 9 of 1,210,922 alleles (0.00074%); highest among the groups gnomAD compares: Non-Finnish European, 0.00089%; no homozygotes.

Submission:

PreventionGenetics, part of Exact Sciences
Classification: Likely benign for TRPC5-related condition. Last evaluated: 2025-08-26. Review status: criteria provided, single submitter. Criteria: ACMG Guidelines, 2015. Collection method: clinical testing. Allele origin: germline.
Comment: This variant is classified as likely benign based on ACMG/AMP sequence variant interpretation guidelines (Richards et al. 2015 PMID: 25741868, with internal and published modifications).

NM_012471.3(TRPC5):c.276C>T (p.His92=)

Gene: TRPC5 (transient receptor potential cation channel subfamily C member 5; minus strand). Cytogenetic location: Xq23.
Variant type: single nucleotide variant.
Coding change: c.276C>T on transcript NM_012471.3 (MANE Select); coding-DNA position 276, C replaced by T.
Protein change: p.His92=; no amino-acid change (histidine 92 retained).
Molecular consequence: synonymous variant.
Genome position (GRCh38, 1-based): chrX:111,952,145, G>A on the plus strand (C>T on the coding strand, the complement: TRPC5 is on the minus strand). VCF-style: chrX-111952145-G-A. GRCh37 (hg19) VCF-style: chrX-111195373-G-A.
Identifiers: ClinVar variation 4990608 (VCV004990608.1).
Genomic context (GRCh38, chrX:111,952,145, plus strand): 5'-CACAGCGCCCACCACTTCCTTGCGTATGGCATAGAGCAATGCATCACCCACATACACGCT[G>A]TGGTTCAGCAGTAGCTCCATGATCTCCAGGTTCTCGTTCTCAATGGCAATGAGCAGGGCA-3'
Protein context (NP_036603.1, residues 82-102): NLEIMELLLN[His92=]SVYVGDALLY